The following is an entry in ClinVar:

NM_006767.4(LZTR1):c.1353+4G>A

Gene: LZTR1 (leucine zipper like post translational regulator 1; plus strand). Cytogenetic location: 22q11.21.
Variant type: single nucleotide variant.
Coding change: c.1353+4G>A on transcript NM_006767.4 (MANE Select); 4 bases into the intron after coding-DNA position 1353, G replaced by A.
Molecular consequence: intron variant.
Genome position (GRCh38, 1-based): chr22:20,993,758, G>A. VCF-style: chr22-20993758-G-A. GRCh37 (hg19) VCF-style: chr22-21348047-G-A.
Identifiers: ClinVar variation 1770637 (VCV001770637.2), dbSNP rs1924691084, ClinGen allele CA645602307.
Genomic context (GRCh38, chr22:20,993,758, plus strand): 5'-TACGGGCGGCTGTGGGAGAGCCGCCAGTTCTGCGACGTGGAGTTCGTGCTGGGTGAGGTG[G>A]GTGCCTGTCCTCGCACCCTGCTCTGCCTGCTGTGCCTGGGCAGTGGGAATTTCGCCCCTC-3'

ClinVar aggregate classification (germline): Uncertain significance (1 of 4 stars; one submission).

Conditions:
Cardiovascular phenotype. Identifiers: MedGen CN230736.
Hereditary cancer-predisposing syndrome. Also called: Hereditary Cancer Syndrome; Hereditary neoplastic syndrome; Neoplastic Syndromes, Hereditary; Tumor predisposition. Identifiers: Orphanet 140162, MedGen C0027672, MeSH D009386, MONDO:0015356.

Submission:

Ambry Genetics
Classification: Uncertain significance for Cardiovascular phenotype; Hereditary cancer-predisposing syndrome. Last evaluated: 2021-08-13. Review status: criteria provided, single submitter. Criteria: Ambry Variant Classification Scheme 2023. Collection method: clinical testing. Allele origin: germline.
Comment: The c.1353+4G>A intronic variant results from a G to A substitution 4 nucleotides after coding exon 12 in the LZTR1 gene. This nucleotide position is poorly conserved in available vertebrate species. In silico splice site analysis predicts that this alteration will not have any significant effect on splicing. Since supporting evidence is limited at this time, the clinical significance of this alteration remains unclear.